The following is an entry in ClinVar:

NM_006269.2(RP1):c.2041dup (p.Ile681fs)

Gene: RP1 (RP1 axonemal microtubule associated; plus strand). Cytogenetic location: 8q12.1.
Variant type: Duplication.
Coding change: c.2041dup on transcript NM_006269.2 (MANE Select); coding-DNA position 2041, one base duplicated (A; older notation c.2041dupA).
Protein change: p.Ile681fs; shifts the reading frame from isoleucine 681.
Molecular consequence: frameshift variant. On other transcripts: intron variant (1).
Genome position (GRCh38, 1-based): chr8:54,625,923, A duplicated; the last of 2 consecutive A bases (chr8:54,625,922-54,625,923); duplicating either gives the same sequence. VCF-style (leftmost placement, unchanged base first): chr8-54625921-C-CA. GRCh37 (hg19) VCF-style: chr8-55538481-C-CA.
Other names: c.787+3635dup (NM_001375654.1); short protein forms I681fs.
Identifiers: ClinVar variation 1297110 (VCV001297110.4), dbSNP rs1174193938, ClinGen allele CA461098776.
Genomic context (GRCh38, chr8:54,625,921, plus strand): 5'-ATGAAAAGAAGATTTTGTCATCTGTTGCCAGCAAAAAGAAGAAAAAATCTCGACAGCAAG[C>CA]AATAAATTCCAGGTATCAAGATGGACAGCTTGCAACCAAAGGAATTCTTAATAAGAATGA-3'

ClinVar aggregate classification (germline): Pathogenic/Likely pathogenic. Review status: criteria provided, multiple submitters, no conflicts (2 of 4 stars). 3 submissions from 3 submitters: Pathogenic (1); Likely pathogenic (2). Last evaluated 2024-10-16.

Conditions:
RP1-related disorder. Also called: RP1-related condition.
Retinitis pigmentosa (RP). Identifiers: Orphanet 791, MedGen C0035334, MeSH D012174, MONDO:0019200, OMIM 268000. Inheritance: Autosomal dominant, autosomal recessive and X linked inheritance.
Retinitis pigmentosa 1 (RP1). Identifiers: Orphanet 791, MedGen C0220701, MONDO:0008377, OMIM 180100.

Submissions (3):

3billion
Classification: Likely pathogenic for Retinitis pigmentosa 1. Last evaluated: 2024-10-16. Review status: criteria provided, single submitter. Criteria: ACMG Guidelines, 2015. Collection method: clinical testing. Allele origin: germline. Affected: yes.
Comment: The variant is observed at an extremely low frequency in the gnomAD v4.1.0 dataset (total allele frequency: <0.001%). Predicted Consequence/Location: Frameshift: predicted to result in a loss or disruption of normal protein function through protein truncation. The predicted truncated protein may be shortened by more than 10%. The variant has been reported to be associated with RP1 related disorder (ClinVar ID: VCV001297110 /PMID: 30913292). Therefore, this variant is classified as Likely pathogenic according to the recommendation of ACMG/AMP guideline.

Blueprint Genetics
Classification: Pathogenic for RP1-related disorders. Last evaluated: 2022-06-20. Review status: criteria provided, single submitter. Criteria: ACMG Guidelines, 2015. Collection method: clinical testing. Allele origin: germline. Affected: yes. Observed: 1 variant allele.

Broad Center for Mendelian Genomics, Broad Institute of MIT and Harvard
Classification: Likely pathogenic for Retinitis pigmentosa. Last evaluated: 2021-04-01. Review status: criteria provided, single submitter. Criteria: ACMG Guidelines, 2015. Collection method: curation. Allele origin: germline. Inheritance: Autosomal recessive inheritance. Affected: yes.
Comment: Through a review of available evidence we were able to apply the following criteria: PVS1, PM2. Based on this evidence we have classified this variant as Likely Pathogenic. If you have any questions about the classification please reach out to the Pierce Lab.

Literature cited by the submitters: PubMed 30913292 (cited by 3billion); PubMed 34906470 (cited by Broad Center for Mendelian Genomics, Broad Institute of MIT and Harvard).